The following is an entry in ClinVar:

ClinVar aggregate classification (germline): Uncertain significance (1 of 4 stars; one submission).

Conditions:
Developmental and epileptic encephalopathy, 8 (DEE8). Also called: HYPEREKPLEXIA AND EPILEPSY. Identifiers: Orphanet 163985, Orphanet 2076, MedGen C1845102, MONDO:0010375, OMIM 300607.

Allele frequency attached by ClinVar (database versions not stated): gnomAD exomes below 0.00001 and 0.00001; TOPMed 0.00002; gnomAD 0.00003; ExAC 0.00005; ESP Exome Variant Server 0.00009; 1000 Genomes Project 0.00026; 1000 Genomes Project 30x 0.00042.
gnomAD v4.1: 4 of 1,204,936 alleles (0.00033%); highest among the groups gnomAD compares: African/African-American, 0.007%; no homozygotes.

Submission:

Labcorp Genetics (formerly Invitae), Labcorp
Classification: Uncertain significance for Developmental and epileptic encephalopathy, 8. Last evaluated: 2024-02-17. Review status: criteria provided, single submitter. Criteria: Invitae Variant Classification Sherloc (09022015). Collection method: clinical testing. Allele origin: germline.
Comment: This sequence change replaces glutamine, which is neutral and polar, with histidine, which is basic and polar, at codon 80 of the ARHGEF9 protein (p.Gln80His). The frequency data for this variant in the population databases is considered unreliable, as metrics indicate poor data quality at this position in the gnomAD database. This variant has not been reported in the literature in individuals affected with ARHGEF9-related conditions. ClinVar contains an entry for this variant (Variation ID: 938279). Advanced modeling of protein sequence and biophysical properties (such as structural, functional, and spatial information, amino acid conservation, physicochemical variation, residue mobility, and thermodynamic stability) performed at Invitae indicates that this missense variant is not expected to disrupt ARHGEF9 protein function with a negative predictive value of 80%. In summary, the available evidence is currently insufficient to determine the role of this variant in disease. Therefore, it has been classified as a Variant of Uncertain Significance.

NM_001353921.2(ARHGEF9):c.261G>T (p.Gln87His)

Gene: ARHGEF9 (Cdc42 guanine nucleotide exchange factor 9; minus strand). Cytogenetic location: Xq11.1.
Variant type: single nucleotide variant.
Coding change: c.261G>T on transcript NM_001353921.2 (MANE Select); coding-DNA position 261, G replaced by T.
Protein change: p.Gln87His; replaces glutamine 87 with histidine.
Molecular consequence: missense variant. On other transcripts: 5 prime UTR variant (3).
Genome position (GRCh38, 1-based): chrX:63,706,399, C>A on the plus strand (G>T on the coding strand, the complement: ARHGEF9 is on the minus strand). VCF-style: chrX-63706399-C-A. GRCh37 (hg19) VCF-style: chrX-62926279-C-A.
Other names: c.81G>T, p.Gln27His (NM_001173479.2); c.-67G>T (NM_001173480.2, NM_001369042.1); c.177G>T, p.Gln59His (NM_001330495.2, NM_001353927.2, NM_001369033.1 and 8 more transcripts); c.261G>T, p.Gln87His (NM_001353922.2); c.279G>T, p.Gln93His (NM_001353923.1); c.60G>T, p.Gln20His (NM_001353924.2, NM_001353926.2, NM_001369039.1 and 1 more transcripts); c.240G>T, p.Gln80His (NM_001353928.2, NM_001369030.1, NM_001369031.1 and 2 more transcripts); c.-443G>T (NM_001369045.1); short protein forms Q59H, Q80H, Q93H, Q27H, Q20H, Q87H.
Identifiers: ClinVar variation 938279 (VCV000938279.8), dbSNP rs373001354, ClinGen allele CA10431972.